The following is an entry in ClinVar:

ClinVar aggregate classification (germline): Uncertain significance. Review status: criteria provided, multiple submitters, no conflicts (2 of 4 stars). 3 submissions from 3 submitters: Uncertain significance (2). 1 of the submissions does not count toward it. Last evaluated 2024-10-16.

Conditions:
PIEZO1-related disorder. Also called: PIEZO1-related condition; PIEZO1-Related Disorders.
Inborn genetic diseases. Identifiers: MedGen C0950123, MeSH D030342.

gnomAD v4.1: 53 of 1,549,508 alleles (0.0034%); highest among the groups gnomAD compares: South Asian, 0.011%; no homozygotes.

Submissions (3):

Ambry Genetics
Classification: Uncertain significance for Inborn genetic diseases. Last evaluated: 2024-10-16. Review status: criteria provided, single submitter. Criteria: Ambry Variant Classification Scheme 2023. Collection method: clinical testing. Allele origin: germline.

Blueprint Genetics
Classification: Uncertain significance. Last evaluated: 2024-04-23. Review status: criteria provided, single submitter. Criteria: ACMG Guidelines, 2015. Collection method: clinical testing. Allele origin: germline.

PreventionGenetics, part of Exact Sciences
Classification: Uncertain significance for PIEZO1-related condition. Last evaluated: 2024-05-07. Review status: no assertion criteria provided. Collection method: clinical testing. Allele origin: germline. Not counted in ClinVar's aggregate classification.
Comment: The PIEZO1 c.3698C>T variant is predicted to result in the amino acid substitution p.Ser1233Leu. To our knowledge, this variant has not been reported in the literature. This variant is reported in 0.0088% of alleles in individuals of South Asian descent in gnomAD. At this time, the clinical significance of this variant is uncertain due to the absence of conclusive functional and genetic evidence.

NM_001142864.4(PIEZO1):c.3698C>T (p.Ser1233Leu)

Gene: PIEZO1 (piezo type mechanosensitive ion channel component 1 (Er blood group); minus strand). Cytogenetic location: 16q24.3.
Variant type: single nucleotide variant.
Coding change: c.3698C>T on transcript NM_001142864.4 (MANE Select); coding-DNA position 3698, C replaced by T.
Protein change: p.Ser1233Leu; replaces serine 1233 with leucine.
Molecular consequence: missense variant.
Genome position (GRCh38, 1-based): chr16:88,726,716, G>A on the plus strand (C>T on the coding strand, the complement: PIEZO1 is on the minus strand). VCF-style: chr16-88726716-G-A. GRCh37 (hg19) VCF-style: chr16-88793124-G-A.
Other names: c.3698C>T (NM_001142864.2); short protein forms S1233L.
Identifiers: ClinVar variation 3346920 (VCV003346920.3).
Genomic context (GRCh38, chr16:88,726,716, plus strand): 5'-AGGGTCAGCGGGGCCAGCGGGGCCCCAGGGCGGTGGGTGCGGGGGGGCCGGAGGCTCACC[G>A]ACAGCATGTTCTTGGAGATGATGACGGTGACGTTGTACAGAATGAGGCAGTCCCACAGCA-3'
Protein context (NP_001136336.2, residues 1223-1243): VTVIISKNML[Ser1233Leu]LLACVFVEQM